The following is an entry in ClinVar:

NM_153006.3(NAGS):c.310del (p.Arg104fs)

Gene: NAGS (N-acetylglutamate synthase; plus strand). Cytogenetic location: 17q21.31.
Variant type: Deletion.
Coding change: c.310del on transcript NM_153006.3 (MANE Select); coding-DNA position 310, one base deleted (C; older notation c.310delC).
Protein change: p.Arg104fs; shifts the reading frame from arginine 104.
Molecular consequence: frameshift variant.
Genome position (GRCh38, 1-based): chr17:44,004,973, C deleted. VCF-style (leftmost placement, unchanged base first): chr17-44004972-GC-G. GRCh37 (hg19) VCF-style: chr17-42082340-GC-G.
Other names: short protein forms R104fs.
Identifiers: ClinVar variation 2676917 (VCV002676917.5), dbSNP rs2509277864, ClinGen allele CA2695200248.

ClinVar aggregate classification (germline): Pathogenic (1 of 4 stars; one submission).

Conditions:
Hyperammonemia, type III (NAGSD). Also called: Hyperammonemia due to N-acetylglutamate synthase deficiency. Identifiers: Orphanet 927, MedGen C0268543, MONDO:0009377, OMIM 237310.

Submission:

Labcorp Genetics (formerly Invitae), Labcorp
Classification: Pathogenic for Hyperammonemia, type III. Last evaluated: 2023-04-07. Review status: criteria provided, single submitter. Criteria: Invitae Variant Classification Sherloc (09022015). Collection method: clinical testing. Allele origin: germline.
Comment: This variant is not present in population databases (gnomAD no frequency). This sequence change creates a premature translational stop signal (p.Arg104Glyfs*7) in the NAGS gene. It is expected to result in an absent or disrupted protein product. Loss-of-function variants in NAGS are known to be pathogenic (PMID: 12594532). This variant has not been reported in the literature in individuals affected with NAGS-related conditions. For these reasons, this variant has been classified as Pathogenic.

Literature cited by the submitters: PubMed 12594532.